The following is an entry in ClinVar:

NM_018191.4(RCBTB1):c.1018G>A (p.Ala340Thr)

Gene: RCBTB1 (RCC1 and BTB domain containing protein 1; minus strand). Cytogenetic location: 13q14.2.
Variant type: single nucleotide variant.
Coding change: c.1018G>A on transcript NM_018191.4 (MANE Select); coding-DNA position 1018, G replaced by A.
Protein change: p.Ala340Thr; replaces alanine 340 with threonine.
Molecular consequence: missense variant. On other transcripts: non-coding transcript variant (2).
Genome position (GRCh38, 1-based): chr13:49,549,485, C>T on the plus strand (G>A on the coding strand, the complement: RCBTB1 is on the minus strand). VCF-style: chr13-49549485-C-T. GRCh37 (hg19) VCF-style: chr13-50123621-C-T.
Other names: c.1018G>A, p.Ala340Thr (NM_001352500.2, NM_001352501.2, NM_001352502.2 and 3 more transcripts); c.439G>A, p.Ala147Thr (NM_001352506.2); c.1018G>A (NM_018191.3); short protein forms A340T, A147T.
Identifiers: ClinVar variation 1921368 (VCV001921368.6), dbSNP rs777713085, ClinGen allele CA6982710.

ClinVar aggregate classification (germline): Uncertain significance. Review status: criteria provided, multiple submitters, no conflicts (2 of 4 stars). 2 submissions from 2 submitters: Uncertain significance (2). Last evaluated 2023-09-13.

Allele frequency attached by ClinVar (database versions not stated): gnomAD 0.00001; ExAC 0.00003.
gnomAD v4.1: 5 of 1,612,362 alleles (0.00031%); highest among the groups gnomAD compares: East Asian, 0.0067%; no homozygotes.

Submissions (2):

Ambry Genetics
Classification: Uncertain significance. Last evaluated: 2023-09-13. Review status: criteria provided, single submitter. Criteria: Ambry Variant Classification Scheme 2023. Collection method: clinical testing. Allele origin: germline.

Labcorp Genetics (formerly Invitae), Labcorp
Classification: Uncertain significance. Last evaluated: 2022-07-24. Review status: criteria provided, single submitter. Criteria: Invitae Variant Classification Sherloc (09022015). Collection method: clinical testing. Allele origin: germline.
Comment: In summary, the available evidence is currently insufficient to determine the role of this variant in disease. Therefore, it has been classified as a Variant of Uncertain Significance. Algorithms developed to predict the effect of missense changes on protein structure and function (SIFT, PolyPhen-2, Align-GVGD) all suggest that this variant is likely to be tolerated. This variant has not been reported in the literature in individuals affected with RCBTB1-related conditions. This variant is present in population databases (rs777713085, gnomAD 0.02%). This sequence change replaces alanine, which is neutral and non-polar, with threonine, which is neutral and polar, at codon 340 of the RCBTB1 protein (p.Ala340Thr).